The following is an entry in ClinVar:

NM_005228.5(EGFR):c.3249C>A (p.Asp1083Glu)

Gene: EGFR (epidermal growth factor receptor; plus strand). Cytogenetic location: 7p11.2.
Variant type: single nucleotide variant.
Coding change: c.3249C>A on transcript NM_005228.5 (MANE Select); coding-DNA position 3249, C replaced by A.
Protein change: p.Asp1083Glu; replaces aspartic acid 1083 with glutamic acid.
Molecular consequence: missense variant.
Genome position (GRCh38, 1-based): chr7:55,202,603, C>A. VCF-style: chr7-55202603-C-A. GRCh37 (hg19) VCF-style: chr7-55270296-C-A.
Other names: c.3114C>A, p.Asp1038Glu (NM_001346897.2, NM_001346899.2); c.3249C>A, p.Asp1083Glu (NM_001346898.2); c.3090C>A, p.Asp1030Glu (NM_001346900.2); c.2448C>A, p.Asp816Glu (NM_001346941.2); c.3249C>A (NM_005228.3); short protein forms D816E, D1030E, D1038E, D1083E.
Identifiers: ClinVar variation 1405620 (VCV001405620.9), dbSNP rs373990043, ClinGen allele CA158938601.

ClinVar aggregate classification (germline): Uncertain significance. Review status: criteria provided, multiple submitters, no conflicts (2 of 4 stars). 2 submissions from 2 submitters: Uncertain significance (2). Last evaluated 2025-04-08.

Conditions:
EGFR-related lung cancer (EGFR). Identifiers: MedGen CN130014.
Hereditary cancer-predisposing syndrome. Also called: Hereditary neoplastic syndrome; Hereditary Cancer Syndrome; Neoplastic Syndromes, Hereditary; Tumor predisposition. Identifiers: Orphanet 140162, MedGen C0027672, MeSH D009386, MONDO:0015356.

Allele frequency attached by ClinVar (database versions not stated): ESP Exome Variant Server 0.00008.
gnomAD v4.1: 1 of 1,613,248 alleles (0.000062%); highest among the groups gnomAD compares: African/African-American, 0.0013%; no homozygotes.

Submissions (2):

Labcorp Genetics (formerly Invitae), Labcorp
Classification: Uncertain significance for EGFR-related lung cancer. Last evaluated: 2025-04-08. Review status: criteria provided, single submitter. Criteria: Invitae Variant Classification Sherloc (09022015). Collection method: clinical testing. Allele origin: germline.
Comment: This sequence change replaces aspartic acid, which is acidic and polar, with glutamic acid, which is acidic and polar, at codon 1083 of the EGFR protein (p.Asp1083Glu). This variant is not present in population databases (gnomAD no frequency). This variant has not been reported in the literature in individuals affected with EGFR-related conditions. ClinVar contains an entry for this variant (Variation ID: 1405620). An algorithm developed to predict the effect of missense changes on protein structure and function (PolyPhen-2) suggests that this variant is likely to be tolerated. In summary, the available evidence is currently insufficient to determine the role of this variant in disease. Therefore, it has been classified as a Variant of Uncertain Significance.

Ambry Genetics
Classification: Uncertain significance for Hereditary cancer-predisposing syndrome. Last evaluated: 2024-12-25. Review status: criteria provided, single submitter. Criteria: Ambry Variant Classification Scheme 2023. Collection method: clinical testing. Allele origin: germline.
Comment: The p.D1083E variant (also known as c.3249C>A), located in coding exon 27 of the EGFR gene, results from a C to A substitution at nucleotide position 3249. The aspartic acid at codon 1083 is replaced by glutamic acid, an amino acid with highly similar properties. This amino acid position is conserved. In addition, this alteration is predicted to be tolerated by in silico analysis. Based on the available evidence, the clinical significance of this variant remains unclear.